The following is an entry in ClinVar:

NM_000166.6(GJB1):c.56C>A (p.Ala19Asp)

Gene: GJB1 (gap junction protein beta 1; plus strand). Cytogenetic location: Xq13.1.
Variant type: single nucleotide variant.
Coding change: c.56C>A on transcript NM_000166.6 (MANE Select); coding-DNA position 56, C replaced by A.
Protein change: p.Ala19Asp; replaces alanine 19 with aspartic acid.
Molecular consequence: missense variant.
Genome position (GRCh38, 1-based): chrX:71,223,763, C>A. VCF-style: chrX-71223763-C-A. GRCh37 (hg19) VCF-style: chrX-70443613-C-A.
Other names: c.56C>A, p.Ala19Asp (NM_001097642.3); short protein forms A19D.
Identifiers: ClinVar variation 2751218 (VCV002751218.3), dbSNP rs2519797633, ClinGen allele CA413500655.

ClinVar aggregate classification (germline): Uncertain significance (1 of 4 stars; one submission).

Conditions:
Charcot-Marie-Tooth Neuropathy X. Identifiers: MedGen CN118851.

Submission:

Labcorp Genetics (formerly Invitae), Labcorp
Classification: Uncertain significance for Charcot-Marie-Tooth Neuropathy X. Last evaluated: 2023-08-08. Review status: criteria provided, single submitter. Criteria: Invitae Variant Classification Sherloc (09022015). Collection method: clinical testing. Allele origin: germline.
Comment: This variant is not present in population databases (gnomAD no frequency). This variant has not been reported in the literature in individuals affected with GJB1-related conditions. Advanced modeling of protein sequence and biophysical properties (such as structural, functional, and spatial information, amino acid conservation, physicochemical variation, residue mobility, and thermodynamic stability) has been performed at Invitae for this missense variant, however the output from this modeling did not meet the statistical confidence thresholds required to predict the impact of this variant on GJB1 protein function. In summary, the available evidence is currently insufficient to determine the role of this variant in disease. Therefore, it has been classified as a Variant of Uncertain Significance. This sequence change replaces alanine, which is neutral and non-polar, with aspartic acid, which is acidic and polar, at codon 19 of the GJB1 protein (p.Ala19Asp).